The following is an entry in ClinVar:

ClinVar aggregate classification (germline): Uncertain significance (1 of 4 stars; one submission).

Allele frequency attached by ClinVar (database versions not stated): gnomAD exomes below 0.00001.
gnomAD v4.1: 1 of 1,614,210 alleles (0.000062%); highest among the groups gnomAD compares: Non-Finnish European, 0.000085%; no homozygotes.

Submission:

Labcorp Genetics (formerly Invitae), Labcorp
Classification: Uncertain significance. Last evaluated: 2023-11-28. Review status: criteria provided, single submitter. Criteria: Invitae Variant Classification Sherloc (09022015). Collection method: clinical testing. Allele origin: germline.
Comment: This sequence change replaces threonine, which is neutral and polar, with alanine, which is neutral and non-polar, at codon 1139 of the TTC37 protein (p.Thr1139Ala). This variant is not present in population databases (gnomAD no frequency). This variant has not been reported in the literature in individuals affected with TTC37-related conditions. ClinVar contains an entry for this variant (Variation ID: 1476943). An algorithm developed to predict the effect of missense changes on protein structure and function (PolyPhen-2) suggests that this variant is likely to be disruptive. In summary, the available evidence is currently insufficient to determine the role of this variant in disease. Therefore, it has been classified as a Variant of Uncertain Significance.

NM_014639.4(SKIC3):c.3415A>G (p.Thr1139Ala)

Gene: SKIC3 (SKI3 subunit of superkiller complex; minus strand). Cytogenetic location: 5q15.
Variant type: single nucleotide variant.
Coding change: c.3415A>G on transcript NM_014639.4 (MANE Select); coding-DNA position 3415, A replaced by G.
Protein change: p.Thr1139Ala; replaces threonine 1139 with alanine.
Molecular consequence: missense variant.
Genome position (GRCh38, 1-based): chr5:95,498,518, T>C on the plus strand (A>G on the coding strand, the complement: SKIC3 is on the minus strand). VCF-style: chr5-95498518-T-C. GRCh37 (hg19) VCF-style: chr5-94834222-T-C.
Other names: short protein forms T1139A.
Identifiers: ClinVar variation 1476943 (VCV001476943.6), dbSNP rs2112276829, ClinGen allele CA360451034.
Genomic context (GRCh38, chr5:95,498,518, plus strand): 5'-AATTACTGTCTTTGTGTTTGATGTGCTTCAGTAACTCATTAAGTGCTGCTTTTGACAGTG[T>C]AGCATCCTGCATTGCCAACCCTAGAGCACACAGGGCTTGAAGGCTTTCTGTGGTTGGTTC-3'
Protein context (NP_055454.1, residues 1129-1149): CALGLAMQDA[Thr1139Ala]LSKAALNELL